The following is an entry in ClinVar:

NM_006735.4(HOXA2):c.559G>A (p.Val187Met)

Gene: HOXA2 (homeobox A2; minus strand). Cytogenetic location: 7p15.2.
Variant type: single nucleotide variant.
Coding change: c.559G>A on transcript NM_006735.4 (MANE Select); coding-DNA position 559, G replaced by A.
Protein change: p.Val187Met; replaces valine 187 with methionine.
Molecular consequence: missense variant.
Genome position (GRCh38, 1-based): chr7:27,101,298, C>T on the plus strand (G>A on the coding strand, the complement: HOXA2 is on the minus strand). VCF-style: chr7-27101298-C-T. GRCh37 (hg19) VCF-style: chr7-27140917-C-T.
Other names: short protein forms V187M.
Identifiers: ClinVar variation 4991805 (VCV004991805.1).
Genomic context (GRCh38, chr7:27,101,298, plus strand): 5'-TTTCCTTGCACTGGGTCTGCCTCTTGTGCTTCATCCTCCGGTTCTGAAACCACACTTTCA[C>T]TTGTCTCTCAGTCAAATCCAGCAGCGCTGCAATCTCCACCCTTCGGGGTCTGCAAAGGTA-3'
Protein context (NP_006726.1, residues 177-197): AALLDLTERQ[Val187Met]KVWFQNRRMK

ClinVar aggregate classification (germline): Uncertain significance (1 of 4 stars; one submission).

Conditions:
HOXA2-related disorder. Also called: HOXA2-related condition.

Submission:

PreventionGenetics, part of Exact Sciences
Classification: Uncertain significance for HOXA2-related condition. Last evaluated: 2025-10-24. Review status: criteria provided, single submitter. Criteria: ACMG Guidelines, 2015. Collection method: clinical testing. Allele origin: germline.
Comment: The HOXA2 c.559G>A variant is predicted to result in the amino acid substitution p.Val187Met. To our knowledge, this variant has not been reported in the literature or in a large population database (gnomAD), indicating this variant is rare. At this time, the clinical significance of this variant is uncertain due to the absence of conclusive functional and genetic evidence.